The following is an entry in ClinVar:

ClinVar aggregate classification (germline): Benign. Review status: no assertion criteria provided (0 of 4 stars). 2 submissions from 2 submitters: Benign (1). 1 of the submissions does not count toward it. Last evaluated 2024-03-05.

Conditions:
DPYD-related disorder. Also called: DPYD-related condition.

Allele frequency attached by ClinVar (database versions not stated): gnomAD exomes 0.00060; gnomAD 0.00661 and 0.00703; 1000 Genomes Project 0.00719; TOPMed 0.00793; 1000 Genomes Project 30x 0.00796.
gnomAD v4.1: 1,821 of 1,422,066 alleles (0.13%); highest among the groups gnomAD compares: African/African-American, 2.3%; 24 homozygotes.

Submissions (2):

PreventionGenetics, part of Exact Sciences
Classification: Benign for DPYD-related condition. Last evaluated: 2024-03-05. Review status: no assertion criteria provided. Collection method: clinical testing. Allele origin: germline.
Comment: This variant is classified as benign based on ACMG/AMP sequence variant interpretation guidelines (Richards et al. 2015 PMID: 25741868, with internal and published modifications).

Diasio Lab,  Mayo Clinic
No classification provided. Review status: no classification provided. Collection method: not provided. Allele origin: unknown. Not counted in ClinVar's aggregate classification.

NM_000110.4(DPYD):c.151-69G>A

Gene: DPYD (dihydropyrimidine dehydrogenase; minus strand). Cytogenetic location: 1p21.3.
Variant type: single nucleotide variant.
Coding change: c.151-69G>A on transcript NM_000110.4 (MANE Select); 69 bases into the intron before coding-DNA position 151, G replaced by A.
Molecular consequence: intron variant.
Genome position (GRCh38, 1-based): chr1:97,828,265, C>T on the plus strand (G>A on the coding strand, the complement: DPYD is on the minus strand). VCF-style: chr1-97828265-C-T. GRCh37 (hg19) VCF-style: chr1-98293821-C-T.
Other names: c.151-69G>A (NM_001160301.1, NM_000110.3).
Identifiers: ClinVar variation 100122 (VCV000100122.3), dbSNP rs115632870, ClinGen allele CA228184.